The following is an entry in ClinVar:

ClinVar aggregate classification (germline): Uncertain significance (1 of 4 stars; one submission).

Conditions:
Long QT syndrome (LQTS). Identifiers: MedGen C0023976, MeSH D008133, MONDO:0002442. Disease mechanism: loss of function. Inheritance: Various modes of inheritance.

Submission:

Labcorp Genetics (formerly Invitae), Labcorp
Classification: Uncertain significance for Long QT syndrome. Last evaluated: 2020-03-19. Review status: criteria provided, single submitter. Criteria: Invitae Variant Classification Sherloc (09022015). Collection method: clinical testing. Allele origin: germline.
Comment: This sequence change replaces leucine with methionine at codon 174 of the KCNJ5 protein (p.Leu174Met). The leucine residue is highly conserved and there is a small physicochemical difference between leucine and methionine. This variant is not present in population databases (ExAC no frequency). This variant has not been reported in the literature in individuals with KCNJ5-related conditions. Algorithms developed to predict the effect of missense changes on protein structure and function are either unavailable or do not agree on the potential impact of this missense change (SIFT: "Tolerated"; PolyPhen-2: "Probably Damaging"; Align-GVGD: "Class C0"). In summary, the available evidence is currently insufficient to determine the role of this variant in disease. Therefore, it has been classified as a Variant of Uncertain Significance.

NM_000890.5(KCNJ5):c.520C>A (p.Leu174Met)

Gene: KCNJ5 (potassium inwardly rectifying channel subfamily J member 5; plus strand). Cytogenetic location: 11q24.3.
Variant type: single nucleotide variant.
Coding change: c.520C>A on transcript NM_000890.5 (MANE Select); coding-DNA position 520, C replaced by A.
Protein change: p.Leu174Met; replaces leucine 174 with methionine.
Molecular consequence: missense variant.
Genome position (GRCh38, 1-based): chr11:128,911,793, C>A. VCF-style: chr11-128911793-C-A. GRCh37 (hg19) VCF-style: chr11-128781688-C-A.
Other names: c.520C>A, p.Leu174Met (NM_001354169.2); short protein forms L174M.
Identifiers: ClinVar variation 1011142 (VCV001011142.8), dbSNP rs1944506012, ClinGen allele CA383248791.
Genomic context (GRCh38, chr11:128,911,793, plus strand): 5'-TTCCGAGTCATCACAGAGAAGTGTCCAGAGGGGATTATACTCCTCTTGGTCCAGGCCATC[C>A]TGGGCTCCATCGTCAATGCCTTCATGGTGGGGTGCATGTTTGTCAAGATCAGCCAGCCCA-3'
Protein context (NP_000881.3, residues 164-184): GIILLLVQAI[Leu174Met]GSIVNAFMVG